The following is an entry in ClinVar:

NM_130837.3(OPA1):c.1359C>G (p.Asp453Glu)

Gene: OPA1 (OPA1 mitochondrial dynamin like GTPase; plus strand). Cytogenetic location: 3q29.
Variant type: single nucleotide variant.
Coding change: c.1359C>G on transcript NM_130837.3 (MANE Select); coding-DNA position 1359, C replaced by G.
Protein change: p.Asp453Glu; replaces aspartic acid 453 with glutamic acid.
Molecular consequence: missense variant.
Genome position (GRCh38, 1-based): chr3:193,643,426, C>G. VCF-style: chr3-193643426-C-G. GRCh37 (hg19) VCF-style: chr3-193361215-C-G.
Other names: c.825C>G, p.Asp275Glu (NM_001354663.2); c.822C>G, p.Asp274Glu (NM_001354664.2); c.1194C>G, p.Asp398Glu (NM_015560.3); c.1086C>G, p.Asp362Glu (NM_130831.3); c.1140C>G, p.Asp380Glu (NM_130832.3); c.1197C>G, p.Asp399Glu (NM_130833.3); c.1248C>G, p.Asp416Glu (NM_130834.3); c.1251C>G, p.Asp417Glu (NM_130835.3); and 1 more; short protein forms D274E, D275E, D362E, D380E, D398E, D399E, D416E, D417E.
Identifiers: ClinVar variation 1879599 (VCV001879599.29), dbSNP rs2474871990, ClinGen allele CA355789350.

ClinVar aggregate classification (germline): Uncertain significance (1 of 4 stars; one submission).

Submission:

CeGaT Center for Human Genetics Tuebingen
Classification: Uncertain significance. Last evaluated: 2022-10-01. Review status: criteria provided, single submitter. Criteria: CeGaT Center For Human Genetics Tuebingen Variant Classification Criteria Version 2. Collection method: clinical testing. Allele origin: germline. Affected: yes. Observed: 1 variant allele.
Comment: OPA1: PM1, PM2, PP4